The following is an entry in ClinVar:

ClinVar aggregate classification (germline): Uncertain significance. Review status: criteria provided, multiple submitters, no conflicts (2 of 4 stars). 2 submissions from 2 submitters: Uncertain significance (2). Last evaluated 2023-04-27.

Conditions:
Inborn genetic diseases. Identifiers: MedGen C0950123, MeSH D030342.

Allele frequency attached by ClinVar (database versions not stated): gnomAD exomes 0.00002; TOPMed 0.00002; gnomAD 0.00003.
gnomAD v4.1: 28 of 1,613,268 alleles (0.0017%); highest among the groups gnomAD compares: South Asian, 0.011%; no homozygotes.

Submissions (2):

Ambry Genetics
Classification: Uncertain significance for Inborn genetic diseases. Last evaluated: 2023-04-27. Review status: criteria provided, single submitter. Criteria: Ambry Variant Classification Scheme 2023. Collection method: clinical testing. Allele origin: germline.

Labcorp Genetics (formerly Invitae), Labcorp
Classification: Uncertain significance. Last evaluated: 2022-12-09. Review status: criteria provided, single submitter. Criteria: Invitae Variant Classification Sherloc (09022015). Collection method: clinical testing. Allele origin: germline.
Comment: In summary, the available evidence is currently insufficient to determine the role of this variant in disease. Therefore, it has been classified as a Variant of Uncertain Significance. Advanced modeling of protein sequence and biophysical properties (such as structural, functional, and spatial information, amino acid conservation, physicochemical variation, residue mobility, and thermodynamic stability) performed at Invitae indicates that this missense variant is expected to disrupt DNAH9 protein function. This variant has not been reported in the literature in individuals affected with DNAH9-related conditions. This variant is present in population databases (rs768904037, gnomAD 0.01%). This sequence change replaces arginine, which is basic and polar, with cysteine, which is neutral and slightly polar, at codon 3350 of the DNAH9 protein (p.Arg3350Cys).

NM_001372.4(DNAH9):c.10048C>T (p.Arg3350Cys)

Gene: DNAH9 (dynein axonemal heavy chain 9; plus strand). Cytogenetic location: 17p12.
Variant type: single nucleotide variant.
Coding change: c.10048C>T on transcript NM_001372.4 (MANE Select); coding-DNA position 10048, C replaced by T.
Protein change: p.Arg3350Cys; replaces arginine 3350 with cysteine.
Molecular consequence: missense variant.
Genome position (GRCh38, 1-based): chr17:11,869,248, C>T. VCF-style: chr17-11869248-C-T. GRCh37 (hg19) VCF-style: chr17-11772565-C-T.
Other names: short protein forms R3350C.
Identifiers: ClinVar variation 2523281 (VCV002523281.5), dbSNP rs768904037, ClinGen allele CA8397380.